The following is an entry in ClinVar:

NM_024642.5(GALNT12):c.922C>A (p.Pro308Thr)

Gene: GALNT12 (polypeptide N-acetylgalactosaminyltransferase 12; plus strand). Cytogenetic location: 9q22.33.
Variant type: single nucleotide variant.
Coding change: c.922C>A on transcript NM_024642.5 (MANE Select); coding-DNA position 922, C replaced by A.
Protein change: p.Pro308Thr; replaces proline 308 with threonine.
Molecular consequence: missense variant.
Genome position (GRCh38, 1-based): chr9:98,835,253, C>A. VCF-style: chr9-98835253-C-A. GRCh37 (hg19) VCF-style: chr9-101597535-C-A.
Other names: short protein forms P308T.
Identifiers: ClinVar variation 2447043 (VCV002447043.3), dbSNP rs749808837, ClinGen allele CA5154118.

ClinVar aggregate classification (germline): Uncertain significance (1 of 4 stars; one submission).

Allele frequency attached by ClinVar (database versions not stated): ExAC 0.00001.
gnomAD v4.1: 1 of 1,610,752 alleles (0.000062%); highest among the groups gnomAD compares: East Asian, 0.0022%; no homozygotes.

Submission:

Ambry Genetics
Classification: Uncertain significance. Last evaluated: 2025-09-11. Review status: criteria provided, single submitter. Criteria: Ambry Variant Classification Scheme 2023. Collection method: clinical testing. Allele origin: germline.
Comment: The p.P308T variant (also known as c.922C>A), located in coding exon 5 of the GALNT12 gene, results from a C to A substitution at nucleotide position 922. The proline at codon 308 is replaced by threonine, an amino acid with highly similar properties. This amino acid position is conserved. In addition, this alteration is predicted to be deleterious by in silico analysis. Since supporting evidence is limited at this time, the clinical significance of this alteration remains unclear.